The following is an entry in ClinVar:

NM_002206.3(ITGA7):c.214G>C (p.Val72Leu)

Gene: ITGA7 (integrin subunit alpha 7; minus strand). Cytogenetic location: 12q13.2.
Variant type: single nucleotide variant.
Coding change: c.214G>C on transcript NM_002206.3 (MANE Select); coding-DNA position 214, G replaced by C.
Protein change: p.Val72Leu; replaces valine 72 with leucine.
Molecular consequence: missense variant. On other transcripts: 5 prime UTR variant (3), intron variant (1).
Genome position (GRCh38, 1-based): chr12:55,703,171, C>G on the plus strand (G>C on the coding strand, the complement: ITGA7 is on the minus strand). VCF-style: chr12-55703171-C-G. GRCh37 (hg19) VCF-style: chr12-56096955-C-G.
Other names: c.214G>C, p.Val72Leu (NM_001144996.2, NM_001374465.1, NM_001410977.1 and 6 more transcripts); c.-126G>C (NM_001367993.1, NM_001414035.1); c.-959G>C (NM_001367994.1); c.86-1755G>C (NM_001144997.2); short protein forms V72L.
Identifiers: ClinVar variation 566191 (VCV000566191.10), dbSNP rs766173576, ClinGen allele CA6616415.

ClinVar aggregate classification (germline): Uncertain significance. Review status: criteria provided, multiple submitters, no conflicts (2 of 4 stars). 3 submissions from 3 submitters: Uncertain significance (3). Last evaluated 2024-12-03.

Conditions:
Congenital muscular dystrophy due to integrin alpha-7 deficiency. Also called: Congenital muscular dystrophy with integrin alpha-7 deficiency; Muscular dystrophy, congenital, due to ITGA7 deficiency; MYOPATHY, CONGENITAL, DUE TO INTEGRIN ALPHA-7 DEFICIENCY. Identifiers: Orphanet 34520, MedGen C2750786, MONDO:0013177, OMIM 613204.

Allele frequency attached by ClinVar (database versions not stated): gnomAD 0.00001; TOPMed 0.00001; ExAC 0.00003.

Submissions (3):

Ambry Genetics
Classification: Uncertain significance. Last evaluated: 2024-12-03. Review status: criteria provided, single submitter. Criteria: Ambry Variant Classification Scheme 2023. Collection method: clinical testing. Allele origin: germline.

Labcorp Genetics (formerly Invitae), Labcorp
Classification: Uncertain significance for Congenital muscular dystrophy due to integrin alpha-7 deficiency. Last evaluated: 2022-07-28. Review status: criteria provided, single submitter. Criteria: Invitae Variant Classification Sherloc (09022015). Collection method: clinical testing. Allele origin: germline.
Comment: This sequence change replaces valine, which is neutral and non-polar, with leucine, which is neutral and non-polar, at codon 72 of the ITGA7 protein (p.Val72Leu). This variant is present in population databases (rs766173576, gnomAD 0.04%). This variant has not been reported in the literature in individuals affected with ITGA7-related conditions. ClinVar contains an entry for this variant (Variation ID: 566191). Algorithms developed to predict the effect of missense changes on protein structure and function (SIFT, PolyPhen-2, Align-GVGD) all suggest that this variant is likely to be tolerated. In summary, the available evidence is currently insufficient to determine the role of this variant in disease. Therefore, it has been classified as a Variant of Uncertain Significance.

Revvity Omics, Revvity
Classification: Uncertain significance for Congenital muscular dystrophy due to integrin alpha-7 deficiency. Last evaluated: 2020-01-03. Review status: criteria provided, single submitter. Criteria: ACMG Guidelines, 2015. Collection method: clinical testing. Allele origin: germline.